The following is an entry in ClinVar:

NM_000553.6(WRN):c.2683A>G (p.Met895Val)

Gene: WRN (WRN RecQ like helicase; plus strand). Cytogenetic location: 8p12.
Variant type: single nucleotide variant.
Coding change: c.2683A>G on transcript NM_000553.6 (MANE Select); coding-DNA position 2683, A replaced by G.
Protein change: p.Met895Val; replaces methionine 895 with valine.
Molecular consequence: missense variant.
Genome position (GRCh38, 1-based): chr8:31,124,574, A>G. VCF-style: chr8-31124574-A-G. GRCh37 (hg19) VCF-style: chr8-30982090-A-G.
Other names: short protein forms M895V.
Identifiers: ClinVar variation 656358 (VCV000656358.5), dbSNP rs1585489649, ClinGen allele CA370916833.

ClinVar aggregate classification (germline): Uncertain significance (1 of 4 stars; one submission).

Conditions:
Werner syndrome (WRN). Identifiers: Orphanet 902, MedGen C0043119, MONDO:0010196, OMIM 277700.

Submission:

Labcorp Genetics (formerly Invitae), Labcorp
Classification: Uncertain significance for Werner syndrome. Last evaluated: 2024-05-05. Review status: criteria provided, single submitter. Criteria: Invitae Variant Classification Sherloc (09022015). Collection method: clinical testing. Allele origin: germline.
Comment: This sequence change replaces methionine, which is neutral and non-polar, with valine, which is neutral and non-polar, at codon 895 of the WRN protein (p.Met895Val). This variant is not present in population databases (gnomAD no frequency). This variant has not been reported in the literature in individuals affected with WRN-related conditions. ClinVar contains an entry for this variant (Variation ID: 656358). An algorithm developed to predict the effect of missense changes on protein structure and function (PolyPhen-2) suggests that this variant is likely to be disruptive. In summary, the available evidence is currently insufficient to determine the role of this variant in disease. Therefore, it has been classified as a Variant of Uncertain Significance.